The following is an entry in ClinVar:

NM_004329.3(BMPR1A):c.1474-10T>C

Gene: BMPR1A (bone morphogenetic protein receptor type 1A; plus strand). Cytogenetic location: 10q23.2.
Variant type: single nucleotide variant.
Coding change: c.1474-10T>C on transcript NM_004329.3 (MANE Select); 10 bases into the intron before coding-DNA position 1474, T replaced by C.
Molecular consequence: intron variant.
Genome position (GRCh38, 1-based): chr10:86,923,584, T>C. VCF-style: chr10-86923584-T-C. GRCh37 (hg19) VCF-style: chr10-88683341-T-C.
Identifiers: ClinVar variation 221156 (VCV000221156.23), dbSNP rs369633360, ClinGen allele CA348737.

ClinVar aggregate classification (germline): Conflicting classifications of pathogenicity. Review status: criteria provided, conflicting classifications (1 of 4 stars). 8 submissions from 8 submitters: Uncertain significance (1); Benign (1); Likely benign (6). Last evaluated 2026-05-29.

Conditions:
Juvenile polyposis syndrome (JPS). Identifiers: Orphanet 2929, MedGen C0345893, MONDO:0017380, OMIM 174900.
Hereditary cancer-predisposing syndrome. Also called: Neoplastic Syndromes, Hereditary; Tumor predisposition; Hereditary Cancer Syndrome; Hereditary neoplastic syndrome. Identifiers: Orphanet 140162, MedGen C0027672, MeSH D009386, MONDO:0015356.

Allele frequency attached by ClinVar (database versions not stated): TOPMed 0.00002; gnomAD 0.00004; gnomAD exomes 0.00001 and 0.00003; ESP Exome Variant Server 0.00008; ExAC 0.00002.
gnomAD v4.1: 49 of 1,614,140 alleles (0.003%); highest among the groups gnomAD compares: Non-Finnish European, 0.0039%; no homozygotes.

Submissions (8):

Women's Health and Genetics/Laboratory Corporation of America, LabCorp
Classification: Likely benign. Last evaluated: 2026-05-29. Review status: criteria provided, single submitter. Criteria: LabCorp Variant Classification Summary - May 2015. Collection method: clinical testing. Allele origin: germline.

Labcorp Genetics (formerly Invitae), Labcorp
Classification: Likely benign for Juvenile polyposis syndrome. Last evaluated: 2025-12-17. Review status: criteria provided, single submitter. Criteria: Invitae Variant Classification Sherloc (09022015). Collection method: clinical testing. Allele origin: germline.

Quest Diagnostics Nichols Institute San Juan Capistrano
Classification: Uncertain significance. Last evaluated: 2025-05-20. Review status: criteria provided, single submitter. Criteria: Quest Diagnostics criteria. Collection method: clinical testing. Allele origin: unknown.
Comment: The BMPR1A c.1474-10T>C variant has been reported in the published literature in a case of pediatric myelodysplastic syndrome (PMID: 29146900 (2017)). The frequency of this variant in the general population (Genome Aggregation Database) is uninformative in the assessment of its pathogenicity. Analysis of this variant using software algorithms for the prediction of the effect of nucleotide changes on splicing yielded predictions that this variant does not affect BMPR1A mRNA splicing. Based on the available information, we are unable to determine the clinical significance of this variant.

Center for Genomic Medicine, Rigshospitalet, Copenhagen University Hospital
Classification: Likely benign. Last evaluated: 2025-03-04. Review status: criteria provided, single submitter. Criteria: ACMG Guidelines, 2015. Collection method: clinical testing. Allele origin: germline.

Myriad Genetics, Inc.
Classification: Likely benign for Juvenile polyposis syndrome. Last evaluated: 2024-08-08. Review status: criteria provided, single submitter. Criteria: Myriad Autosomal Dominant, Autosomal Recessive and X-Linked Classification Criteria (2023). Collection method: clinical testing. Allele origin: unknown.
Comment: This variant is considered likely benign. This variant is intronic and is not expected to impact mRNA splicing.

Sema4
Classification: Likely benign for Hereditary cancer-predisposing syndrome. Last evaluated: 2022-03-15. Review status: criteria provided, single submitter. Criteria: Sema4 Curation Guidelines. Collection method: curation. Allele origin: germline.

Color Diagnostics, LLC DBA Color Health
Classification: Likely benign for Hereditary cancer-predisposing syndrome. Last evaluated: 2017-05-09. Review status: criteria provided, single submitter. Criteria: ACMG Guidelines, 2015. Collection method: clinical testing. Allele origin: germline.

GeneDx
Classification: Benign. Last evaluated: 2015-07-14. Review status: criteria provided, single submitter. Criteria: GeneDx Variant Classification (06012015). Collection method: clinical testing. Allele origin: germline. Affected: yes.
Comment: This variant is considered likely benign or benign based on one or more of the following criteria: it is a conservative change, it occurs at a poorly conserved position in the protein, it is predicted to be benign by multiple in silico algorithms, and/or has population frequency not consistent with disease.

Literature cited by the submitters: PubMed 29146900 (cited by Quest Diagnostics Nichols Institute San Juan Capistrano and Sema4).